The following is an entry in ClinVar:

ClinVar aggregate classification (germline): Uncertain significance (1 of 4 stars; one submission).

Allele frequency attached by ClinVar (database versions not stated): gnomAD exomes 0.00001.

Submission:

Labcorp Genetics (formerly Invitae), Labcorp
Classification: Uncertain significance. Last evaluated: 2023-04-29. Review status: criteria provided, single submitter. Criteria: Invitae Variant Classification Sherloc (09022015). Collection method: clinical testing. Allele origin: germline.
Comment: In summary, the available evidence is currently insufficient to determine the role of this variant in disease. Therefore, it has been classified as a Variant of Uncertain Significance. This sequence change replaces aspartic acid, which is acidic and polar, with glycine, which is neutral and non-polar, at codon 323 of the NLRP1 protein (p.Asp323Gly). This variant is not present in population databases (gnomAD no frequency). This variant has not been reported in the literature in individuals affected with NLRP1-related conditions. Algorithms developed to predict the effect of missense changes on protein structure and function output the following: SIFT: "Not Available"; PolyPhen-2: "Benign"; Align-GVGD: "Not Available". The glycine amino acid residue is found in multiple mammalian species, which suggests that this missense change does not adversely affect protein function.

NM_033004.4(NLRP1):c.968A>G (p.Asp323Gly)

Gene: NLRP1 (NLR family pyrin domain containing 1; minus strand). Cytogenetic location: 17p13.2.
Variant type: single nucleotide variant.
Coding change: c.968A>G on transcript NM_033004.4 (MANE Select); coding-DNA position 968, A replaced by G.
Protein change: p.Asp323Gly; replaces aspartic acid 323 with glycine.
Molecular consequence: missense variant.
Genome position (GRCh38, 1-based): chr17:5,559,728, T>C on the plus strand (A>G on the coding strand, the complement: NLRP1 is on the minus strand). VCF-style: chr17-5559728-T-C. GRCh37 (hg19) VCF-style: chr17-5463048-T-C.
Other names: c.968A>G, p.Asp323Gly (NM_001033053.3, NM_014922.5, NM_033006.4 and 1 more transcripts); short protein forms D323G.
Identifiers: ClinVar variation 3022026 (VCV003022026.3), dbSNP rs2507941702, ClinGen allele CA397387453.
Genomic context (GRCh38, chr17:5,559,728, plus strand): 5'-AGTGTTGACTTCCCAATTCCAGCAGCCCCCTGCAGTATGACTATGCGAGGTTCTTGGGTA[T>C]CCAGGCCTGGGCCAAATAAGTCTCTGATCTCAATTAAATGTCCTCGATTCTCCTCCACAT-3'
Protein context (NP_127497.1, residues 313-333): EIRDLFGPGL[Asp323Gly]TQEPRIVILQ